The following is an entry in ClinVar:

NM_000435.3(NOTCH3):c.1305T>G (p.Cys435Trp)

Gene: NOTCH3 (notch receptor 3; minus strand). Cytogenetic location: 19p13.12.
Variant type: single nucleotide variant.
Coding change: c.1305T>G on transcript NM_000435.3 (MANE Select); coding-DNA position 1305, T replaced by G.
Protein change: p.Cys435Trp; replaces cysteine 435 with tryptophan.
Molecular consequence: missense variant.
Genome position (GRCh38, 1-based): chr19:15,189,062, A>C on the plus strand (T>G on the coding strand, the complement: NOTCH3 is on the minus strand). VCF-style: chr19-15189062-A-C. GRCh37 (hg19) VCF-style: chr19-15299873-A-C.
Other names: short protein forms C435W.
Identifiers: ClinVar variation 994541 (VCV000994541.9), dbSNP rs2046907170, ClinGen allele CA404527935.

ClinVar aggregate classification (germline): Conflicting classifications of pathogenicity. Review status: criteria provided, conflicting classifications (1 of 4 stars). 2 submissions from 2 submitters: Likely pathogenic (1); Uncertain significance (1). Last evaluated 2021-12-02.

Submissions (2):

Labcorp Genetics (formerly Invitae), Labcorp
Classification: Uncertain significance. Last evaluated: 2021-12-02. Review status: criteria provided, single submitter. Criteria: Invitae Variant Classification Sherloc (09022015). Collection method: clinical testing. Allele origin: germline.
Comment: This sequence change replaces cysteine, which is neutral and slightly polar, with tryptophan, which is neutral and slightly polar, at codon 435 of the NOTCH3 protein (p.Cys435Trp). This variant is not present in population databases (gnomAD no frequency). This missense change has been observed in individual(s) with Cerebral arteriopathy with subcortical infarcts and leukoencephalopathy 1 (Invitae). ClinVar contains an entry for this variant (Variation ID: 994541). Advanced modeling of protein sequence and biophysical properties (such as structural, functional, and spatial information, amino acid conservation, physicochemical variation, residue mobility, and thermodynamic stability) performed at Invitae indicates that this missense variant is expected to disrupt NOTCH3 protein function. In summary, the available evidence is currently insufficient to determine the role of this variant in disease. Therefore, it has been classified as a Variant of Uncertain Significance.

Athena Diagnostics
Classification: Likely pathogenic. Last evaluated: 2020-07-27. Review status: criteria provided, single submitter. Criteria: Athena Diagnostics Criteria. Collection method: clinical testing. Allele origin: unknown.
Comment: The variant disrupts a cysteine residue in an EGF-like repeat domain, which is important for the structure of this protein. Therefore it is expected to severely affect the function of the protein. Not found in the total gnomAD dataset, and the data is high quality.